The following is an entry in ClinVar:

ClinVar aggregate classification (germline): Uncertain significance (1 of 4 stars; one submission).

Allele frequency attached by ClinVar (database versions not stated): gnomAD exomes below 0.00001; ExAC 0.00001; gnomAD 0.00002 and 0.00003; TOPMed 0.00002; 1000 Genomes Project 0.00020; 1000 Genomes Project 30x 0.00031.
gnomAD v4.1: 5 of 1,613,956 alleles (0.00031%); highest among the groups gnomAD compares: African/African-American, 0.0067%; no homozygotes.

Submission:

Labcorp Genetics (formerly Invitae), Labcorp
Classification: Uncertain significance. Last evaluated: 2020-03-19. Review status: criteria provided, single submitter. Criteria: Invitae Variant Classification Sherloc (09022015). Collection method: clinical testing. Allele origin: germline.
Comment: In summary, the available evidence is currently insufficient to determine the role of this variant in disease. Therefore, it has been classified as a Variant of Uncertain Significance. Nucleotide substitutions within the consensus splice site are a relatively common cause of aberrant splicing (PMID: 17576681, 9536098). Experimental studies and prediction algorithms are not available or were not evaluated, and the effect of this variant on mRNA splicing is currently unknown. This variant has not been reported in the literature in individuals with ACTN4-related conditions. This variant is present in population databases (rs535524625, ExAC 0.01%). This sequence change falls in intron 9 of the ACTN4 gene. It does not directly change the encoded amino acid sequence of the ACTN4 protein, but it affects a nucleotide within the consensus splice site of the intron.

Literature cited by the submitters: PubMed 17576681; PubMed 9536098.

NM_004924.6(ACTN4):c.912+3G>A

Gene: ACTN4 (actinin alpha 4; plus strand). Cytogenetic location: 19q13.2.
Variant type: single nucleotide variant.
Coding change: c.912+3G>A on transcript NM_004924.6 (MANE Select); 3 bases into the intron after coding-DNA position 912, G replaced by A.
Molecular consequence: intron variant.
Genome position (GRCh38, 1-based): chr19:38,714,564, G>A. VCF-style: chr19-38714564-G-A. GRCh37 (hg19) VCF-style: chr19-39205204-G-A.
Other names: c.912+3G>A (NM_001322033.2).
Identifiers: ClinVar variation 1058542 (VCV001058542.7), dbSNP rs535524625, ClinGen allele CA9417475.